The following is an entry in ClinVar:

ClinVar aggregate classification (germline): Conflicting classifications of pathogenicity. Review status: criteria provided, conflicting classifications (1 of 4 stars). 2 submissions from 2 submitters: Likely pathogenic (1); Uncertain significance (1). Last evaluated 2024-02-23.

Conditions:
Retinal dystrophy. Also called: Inherited retinal dystrophy. Identifiers: Orphanet 71862, MedGen C0854723, MeSH D058499, MONDO:0019118, HP:0000556.

Submissions (2):

Labcorp Genetics (formerly Invitae), Labcorp
Classification: Uncertain significance. Last evaluated: 2024-02-23. Review status: criteria provided, single submitter. Criteria: Invitae Variant Classification Sherloc (09022015). Collection method: clinical testing. Allele origin: germline.
Comment: This sequence change creates a premature translational stop signal (p.Gln9*) in the RP1L1 gene. It is expected to result in an absent or disrupted protein product. However, the current clinical and genetic evidence is not sufficient to establish whether loss-of-function variants in RP1L1 cause disease. This variant is not present in population databases (gnomAD no frequency). This premature translational stop signal has been observed in individual(s) with clinical features of RP1L1-related conditions (PMID: 31213501). ClinVar contains an entry for this variant (Variation ID: 1511853). In summary, the available evidence is currently insufficient to determine the role of this variant in disease. Therefore, it has been classified as a Variant of Uncertain Significance.

Dept Of Ophthalmology, Nagoya University
Classification: Likely pathogenic for Retinal dystrophy. Last evaluated: 2023-10-01. Review status: criteria provided, single submitter. Criteria: Submitter's publication. Collection method: research. Allele origin: germline. Affected: yes.

Literature cited by the submitters: PubMed 31213501 (cited by Labcorp Genetics (formerly Invitae), Labcorp).

NM_178857.6(RP1L1):c.25C>T (p.Gln9Ter)

Gene: RP1L1 (RP1 like 1). Cytogenetic location: 8p23.1.
Variant type: single nucleotide variant.
Coding change: c.25C>T on transcript NM_178857.6 (MANE Select); coding-DNA position 25, C replaced by T.
Protein change: p.Gln9Ter; replaces glutamine 9 with a stop codon.
Molecular consequence: nonsense.
Genome position (GRCh38, 1-based): chr8:10,623,177, G>A on the plus strand (C>T on the coding strand, the complement: RP1L1 is on the minus strand). VCF-style: chr8-10623177-G-A. GRCh37 (hg19) VCF-style: chr8-10480687-G-A.
Other names: short protein forms Q9*.
Identifiers: ClinVar variation 1511853 (VCV001511853.7), dbSNP rs1486810062, ClinGen allele CA370301290.